The following is an entry in ClinVar:

ClinVar aggregate classification (germline): Uncertain significance (1 of 4 stars; one submission).

Submission:

GeneDx
Classification: Uncertain significance. Last evaluated: 2024-08-12. Review status: criteria provided, single submitter. Criteria: GeneDx Variant Classification Process June 2021. Collection method: clinical testing. Allele origin: germline. Affected: yes.
Comment: Not observed at significant frequency in large population cohorts (gnomAD); In silico analysis supports that this missense variant has a deleterious effect on protein structure/function; Has not been previously published as pathogenic or benign to our knowledge

NM_006939.4(SOS2):c.2531A>G (p.Glu844Gly)

Gene: SOS2 (SOS Ras/Rho guanine nucleotide exchange factor 2; minus strand). Cytogenetic location: 14q21.3.
Variant type: single nucleotide variant.
Coding change: c.2531A>G on transcript NM_006939.4 (MANE Select); coding-DNA position 2531, A replaced by G.
Protein change: p.Glu844Gly; replaces glutamic acid 844 with glycine.
Molecular consequence: missense variant.
Genome position (GRCh38, 1-based): chr14:50,145,306, T>C on the plus strand (A>G on the coding strand, the complement: SOS2 is on the minus strand). VCF-style: chr14-50145306-T-C. GRCh37 (hg19) VCF-style: chr14-50612024-T-C.
Other names: c.2432A>G, p.Glu811Gly (NM_001411020.1); short protein forms E811G, E844G.
Identifiers: ClinVar variation 3731019 (VCV003731019.1).